The following is an entry in ClinVar:

NM_000154.2(GALK1):c.202C>T (p.Arg68Cys)

Gene: GALK1 (galactokinase 1; minus strand). Cytogenetic location: 17q25.1.
Variant type: single nucleotide variant.
Coding change: c.202C>T on transcript NM_000154.2 (MANE Select); coding-DNA position 202, C replaced by T.
Protein change: p.Arg68Cys; replaces arginine 68 with cysteine.
Molecular consequence: missense variant.
Genome position (GRCh38, 1-based): chr17:75,764,050, G>A on the plus strand (C>T on the coding strand, the complement: GALK1 is on the minus strand). VCF-style: chr17-75764050-G-A. GRCh37 (hg19) VCF-style: chr17-73760131-G-A.
Other names: short protein forms R68C.
Identifiers: ClinVar variation 553609 (VCV000553609.4), dbSNP rs1365349586, ClinGen allele CA401107514.

ClinVar aggregate classification (germline): Uncertain significance. Review status: criteria provided, multiple submitters, no conflicts (2 of 4 stars). 3 submissions from 3 submitters: Uncertain significance (2). 1 of the submissions does not count toward it. Last evaluated 2023-04-06.

Conditions:
Deficiency of galactokinase. Also called: GALACTOSEMIA II; Galactokinase deficiency with cataracts. Identifiers: Orphanet 352, Orphanet 79237, MedGen C0268155, MONDO:0009255, OMIM 230200.

Allele frequency attached by ClinVar (database versions not stated): TOPMed below 0.00001; gnomAD 0.00001; gnomAD exomes 0.00001.

Submissions (3):

Women's Health and Genetics/Laboratory Corporation of America, LabCorp
Classification: Uncertain significance. Last evaluated: 2023-04-06. Review status: criteria provided, single submitter. Criteria: LabCorp Variant Classification Summary - May 2015. Collection method: clinical testing. Allele origin: germline.
Comment: Variant summary: GALK1 c.202C>T (p.Arg68Cys) results in a non-conservative amino acid change in the encoded protein sequence. Three of five in-silico tools predict a benign effect of the variant on protein function. The variant was absent in 216368 control chromosomes (gnomAD). The available data on variant occurrences in the general population are insufficient to allow any conclusion about variant significance. c.202C>T has been reported in the literature in at least one compound heterozygous individual affected with Deficiency Of Galactokinase (Hunter_2001). The report does not provide unequivocal conclusions about association of the variant with Deficiency Of Galactokinase. At least one invitro study reports experimental evidence evaluating an impact on protein function and this variant results in less active than the wild-type enzyme (Timson_2003). Two ClinVar submitters (evaluation after 2014) cite this variant as uncertain significance. Based on the evidence outlined above, the variant was classified as uncertain significance.

Labcorp Genetics (formerly Invitae), Labcorp
Classification: Uncertain significance for Deficiency of galactokinase. Last evaluated: 2021-09-01. Review status: criteria provided, single submitter. Criteria: Invitae Variant Classification Sherloc (09022015). Collection method: clinical testing. Allele origin: germline.
Comment: This sequence change replaces arginine with cysteine at codon 68 of the GALK1 protein (p.Arg68Cys). The arginine residue is moderately conserved and there is a large physicochemical difference between arginine and cysteine. This variant is not present in population databases (ExAC no frequency). This missense change has been observed in individual(s) with galactokinase deficiency galactosemia (PMID: 11139256). ClinVar contains an entry for this variant (Variation ID: 553609). Algorithms developed to predict the effect of missense changes on protein structure and function are either unavailable or do not agree on the potential impact of this missense change (SIFT: "Tolerated"; PolyPhen-2: "Probably Damaging"; Align-GVGD: "Class C0"). Experimental studies have shown that this missense change affects GALK1 function (PMID: 12694189). In summary, the available evidence is currently insufficient to determine the role of this variant in disease. Therefore, it has been classified as a Variant of Uncertain Significance.

Counsyl
Classification: Uncertain significance for Deficiency of galactokinase. Last evaluated: 2017-08-30. Review status: no assertion criteria provided. Collection method: clinical testing. Allele origin: unknown. Not counted in ClinVar's aggregate classification.

Literature cited by the submitters: PubMed 29893426 (cited by Women's Health and Genetics/Laboratory Corporation of America, LabCorp); PubMed 12796487 (cited by Women's Health and Genetics/Laboratory Corporation of America, LabCorp); PubMed 15590630 (cited by Women's Health and Genetics/Laboratory Corporation of America, LabCorp); PubMed 12694189 (cited by 3 submitters); PubMed 11139256 (cited by 3 submitters); PubMed 21264483 (cited by Counsyl).